The following is an entry in ClinVar:

NM_006502.3(POLH):c.1833del (p.Lys611fs)

Gene: POLH (DNA polymerase eta; plus strand). Cytogenetic location: 6p21.1.
Variant type: Deletion.
Coding change: c.1833del on transcript NM_006502.3 (MANE Select); coding-DNA position 1833, one base deleted (A; older notation c.1833delA).
Protein change: p.Lys611fs; shifts the reading frame from lysine 611.
Molecular consequence: frameshift variant. On other transcripts: 3 prime UTR variant (1).
Genome position (GRCh38, 1-based): chr6:43,614,248, A deleted; the last of 3 consecutive A bases (chr6:43,614,246-43,614,248); deleting any one gives the same sequence. VCF-style (leftmost placement, unchanged base first): chr6-43614245-CA-C. GRCh37 (hg19) VCF-style: chr6-43581982-CA-C.
Other names: c.1461del, p.Lys487fs (NM_001291969.2); c.*517del (NM_001291970.2); short protein forms K487fs, K611fs.
Identifiers: ClinVar variation 2429220 (VCV002429220.42), dbSNP rs1348870958, ClinGen allele CA824945775.

ClinVar aggregate classification (germline): Uncertain significance. Review status: criteria provided, multiple submitters, no conflicts (2 of 4 stars). 2 submissions from 2 submitters: Uncertain significance (2). Last evaluated 2025-11-10.

Submissions (2):

Dasa
Classification: Uncertain significance. Last evaluated: 2025-11-10. Review status: criteria provided, single submitter. Criteria: DASA Assertion Criteria. Collection method: clinical testing. Allele origin: germline.
Comment: NM_006502.3(POLH):c.1833del (p.Lys611Asnfs*6) is a frameshift variant in POLH predicted to alter the reading frame and introduce a premature termination codon and is predicted to result in an absent or altered protein product. This variant is rare in population databases. The currently available literature and clinical evidence are not sufficient to establish a definitive association between this variant and the reported condition. Therefore, this variant is classified as a variant of uncertain significance.

Women's Health and Genetics/Laboratory Corporation of America, LabCorp
Classification: Uncertain significance. Last evaluated: 2023-01-20. Review status: criteria provided, single submitter. Criteria: LabCorp Variant Classification Summary - May 2015. Collection method: clinical testing. Allele origin: germline.
Comment: Variant summary: POLH c.1833delA (p.Lys611AsnfsX6) results in a premature termination codon within the last exon, predicted to cause a truncation of the encoded protein (eliminating the last 97 amino acids and removing the DNA polymerase eta, ubiquitin-binding zinc finger domain [IPR041298]) or absence of the protein due to nonsense mediated decay, which are commonly known mechanisms for disease. To our knowledge, truncations downstream of this position have not been cited in online databases (e.g. ClinVar, HGMD, LOVD) and have not been reported in the literature in individuals affected with Xeroderma Pigmentosum. The variant was absent in 248170 control chromosomes (gnomAD). The available data on variant occurrences in the general population are insufficient to allow any conclusion about variant significance. To our knowledge, no occurrence of c.1833delA in individuals affected with Xeroderma Pigmentosum and no experimental evidence demonstrating its impact on protein function have been reported. No clinical diagnostic laboratories have submitted clinical-significance assessments for this variant to ClinVar after 2014. Based on the evidence outlined above, the variant was classified as VUS-possibly pathogenic.